The following is an entry in ClinVar:

ClinVar aggregate classification (germline): Pathogenic (1 of 4 stars; one submission).

Conditions:
Microcephaly, short stature, and impaired glucose metabolism 1 (MSSGM1). Identifiers: Orphanet 391408, MedGen C4014997, MONDO:0000208, OMIM 616033.

Submission:

Victorian Clinical Genetics Services, Murdoch Childrens Research Institute
Classification: Pathogenic for Microcephaly, short stature, and impaired glucose metabolism 1. Last evaluated: 2024-09-21. Review status: criteria provided, single submitter. Criteria: ACMG Guidelines, 2015. Collection method: clinical testing. Allele origin: germline. Inheritance: Autosomal recessive inheritance. Affected: yes.
Comment: Based on the classification scheme VCGS_Germline_v1.3.4, this variant is classified as Pathogenic. Following criteria are met: 0102 - Loss of function is a known mechanism of disease in this gene and is associated with microcephaly, short stature, and impaired glucose metabolism 1 (MIM#616033). (I) 0106 - This gene is associated with autosomal recessive disease. (I) 0201 - Variant is predicted to cause nonsense-mediated decay (NMD) and loss of protein (premature termination codon is located at least 54 nucleotides upstream of the final exon-exon junction). (SP) 0252 - This variant is homozygous. (I) 0301 - Variant is absent from gnomAD (both v2 and v3). (SP) 0702 - Other NMD predicted variants comparable to the one identified in this case have strong previous evidence for pathogenicity (DECIPHER, PMID:26535115). (SP) 0807 - This variant has no previous evidence of pathogenicity. (I) 0905 - No published segregation evidence has been identified for this variant. (I) 1007 - No published functional evidence has been identified for this variant. (I) Legend: (SP) - Supporting pathogenic, (I) - Information, (SB) - Supporting benign

Literature cited by the submitters: PubMed 26535115.

NM_001134665.3(TRMT10A):c.151C>T (p.Gln51Ter)

Gene: TRMT10A (tRNA methyltransferase 10A; minus strand). Cytogenetic location: 4q23.
Variant type: single nucleotide variant.
Coding change: c.151C>T on transcript NM_001134665.3 (MANE Select); coding-DNA position 151, C replaced by T.
Protein change: p.Gln51Ter; replaces glutamine 51 with a stop codon.
Molecular consequence: nonsense.
Genome position (GRCh38, 1-based): chr4:99,559,188, G>A on the plus strand (C>T on the coding strand, the complement: TRMT10A is on the minus strand). VCF-style: chr4-99559188-G-A. GRCh37 (hg19) VCF-style: chr4-100480345-G-A.
Other names: c.151C>T, p.Gln51Ter (NM_001134666.3, NM_001375880.1, NM_001375881.1 and 2 more transcripts); short protein forms Q51*.
Identifiers: ClinVar variation 3377077 (VCV003377077.1).